The following is an entry in ClinVar:

NM_182914.3(SYNE2):c.14527T>C (p.Phe4843Leu)

Gene: SYNE2 (spectrin repeat containing nuclear envelope protein 2; plus strand). Cytogenetic location: 14q23.2.
Variant type: single nucleotide variant.
Coding change: c.14527T>C on transcript NM_182914.3 (MANE Select); coding-DNA position 14527, T replaced by C.
Protein change: p.Phe4843Leu; replaces phenylalanine 4843 with leucine.
Molecular consequence: missense variant.
Genome position (GRCh38, 1-based): chr14:64,134,081, T>C. VCF-style: chr14-64134081-T-C. GRCh37 (hg19) VCF-style: chr14-64600799-T-C.
Other names: c.14527T>C, p.Phe4843Leu (NM_015180.6); short protein forms F4843L.
Identifiers: ClinVar variation 836712 (VCV000836712.10), dbSNP rs1357447966, ClinGen allele CA389985671.

ClinVar aggregate classification (germline): Uncertain significance (1 of 4 stars; one submission).

Conditions:
Emery-Dreifuss muscular dystrophy 5, autosomal dominant (EDMD5). Also called: EMERY-DREIFUSS MUSCULAR DYSTROPHY 5. Identifiers: Orphanet 261, MedGen C2751805, MONDO:0013072, OMIM 612999.

Allele frequency attached by ClinVar (database versions not stated): gnomAD exomes below 0.00001.
gnomAD v4.1: 2 of 1,614,098 alleles (0.00012%); highest among the groups gnomAD compares: East Asian, 0.0045%; no homozygotes.

Submission:

Labcorp Genetics (formerly Invitae), Labcorp
Classification: Uncertain significance for Emery-Dreifuss muscular dystrophy 5, autosomal dominant. Last evaluated: 2019-12-27. Review status: criteria provided, single submitter. Criteria: Invitae Variant Classification Sherloc (09022015). Collection method: clinical testing. Allele origin: germline.
Comment: In summary, the available evidence is currently insufficient to determine the role of this variant in disease. Therefore, it has been classified as a Variant of Uncertain Significance. Algorithms developed to predict the effect of missense changes on protein structure and function are either unavailable or do not agree on the potential impact of this missense change (SIFT: "Tolerated"; PolyPhen-2: "Probably Damaging"; Align-GVGD: "Class C0"). This variant has not been reported in the literature in individuals with SYNE2-related conditions. This variant is not present in population databases (ExAC no frequency). This sequence change replaces phenylalanine with leucine at codon 4843 of the SYNE2 protein (p.Phe4843Leu). The phenylalanine residue is moderately conserved and there is a small physicochemical difference between phenylalanine and leucine.